The following is an entry in ClinVar:

ClinVar aggregate classification (germline): Uncertain significance (1 of 4 stars; one submission).

Conditions:
Neutropenia, severe congenital, 1, autosomal dominant. Identifiers: MedGen C1859966, MONDO:0042490, OMIM 202700.
Cyclical neutropenia. Also called: Cyclic Neutropenia; Cyclic hematopoiesis. Identifiers: Orphanet 2686, MedGen C0221023, MONDO:0008090, OMIM 162800, HP:0040289. Disease mechanism: loss of function.

Submission:

Labcorp Genetics (formerly Invitae), Labcorp
Classification: Uncertain significance for Neutropenia, severe congenital, 1, autosomal dominant; Cyclical neutropenia. Last evaluated: 2025-03-05. Review status: criteria provided, single submitter. Criteria: Invitae Variant Classification Sherloc (09022015). Collection method: clinical testing. Allele origin: germline.
Comment: This sequence change replaces alanine, which is neutral and non-polar, with glycine, which is neutral and non-polar, at codon 36 of the ELANE protein (p.Ala36Gly). This variant is not present in population databases (gnomAD no frequency). This variant has not been reported in the literature in individuals affected with ELANE-related conditions. ClinVar contains an entry for this variant (Variation ID: 1041444). Invitae Evidence Modeling of protein sequence and biophysical properties (such as structural, functional, and spatial information, amino acid conservation, physicochemical variation, residue mobility, and thermodynamic stability) indicates that this missense variant is expected to disrupt ELANE protein function with a positive predictive value of 95%. In summary, the available evidence is currently insufficient to determine the role of this variant in disease. Therefore, it has been classified as a Variant of Uncertain Significance.

NM_001972.4(ELANE):c.107C>G (p.Ala36Gly)

Gene: ELANE (elastase, neutrophil expressed; plus strand). Cytogenetic location: 19p13.3.
Variant type: single nucleotide variant.
Coding change: c.107C>G on transcript NM_001972.4 (MANE Select); coding-DNA position 107, C replaced by G.
Protein change: p.Ala36Gly; replaces alanine 36 with glycine.
Molecular consequence: missense variant.
Genome position (GRCh38, 1-based): chr19:852,915, C>G. VCF-style: chr19-852915-C-G. GRCh37 (hg19) VCF-style: chr19-852915-C-G.
Other names: short protein forms A36G.
Identifiers: ClinVar variation 1041444 (VCV001041444.11), dbSNP rs1238175738, ClinGen allele CA402914394.